The following is an entry in ClinVar:

ClinVar aggregate classification (germline): Uncertain significance. Review status: criteria provided, multiple submitters, no conflicts (2 of 4 stars). 3 submissions from 3 submitters: Uncertain significance (3). Last evaluated 2022-10-25.

Conditions:
Myopathy, distal, 5 (MPD5). Also called: Adenylosuccinate synthetase-like 1-related distal myopathy. Identifiers: Orphanet 482601, MedGen C5567521, MONDO:0014877, OMIM 617030.
Inborn genetic diseases. Identifiers: MedGen C0950123, MeSH D030342.

Allele frequency attached by ClinVar (database versions not stated): gnomAD 0.00001; ExAC 0.00005; ESP Exome Variant Server 0.00015.
gnomAD v4.1: 5 of 1,596,854 alleles (0.00031%); highest among the groups gnomAD compares: Non-Finnish European, 0.00043%; no homozygotes.

Submissions (3):

Ambry Genetics
Classification: Uncertain significance for Inborn genetic diseases. Last evaluated: 2022-10-25. Review status: criteria provided, single submitter. Criteria: Ambry Variant Classification Scheme 2023. Collection method: clinical testing. Allele origin: germline.

Labcorp Genetics (formerly Invitae), Labcorp
Classification: Uncertain significance. Last evaluated: 2022-05-12. Review status: criteria provided, single submitter. Criteria: Invitae Variant Classification Sherloc (09022015). Collection method: clinical testing. Allele origin: germline.
Comment: This sequence change replaces alanine, which is neutral and non-polar, with serine, which is neutral and polar, at codon 31 of the ADSSL1 protein (p.Ala31Ser). The frequency data for this variant in the population databases is considered unreliable, as metrics indicate poor data quality at this position in the gnomAD database. This variant has not been reported in the literature in individuals affected with ADSSL1-related conditions. Experimental studies and prediction algorithms are not available or were not evaluated, and the functional significance of this variant is currently unknown. In summary, the available evidence is currently insufficient to determine the role of this variant in disease. Therefore, it has been classified as a Variant of Uncertain Significance.

Revvity Omics, Revvity
Classification: Uncertain significance for Myopathy, distal, 5. Last evaluated: 2019-08-20. Review status: criteria provided, single submitter. Criteria: ACMG Guidelines, 2015. Collection method: clinical testing. Allele origin: germline.

NM_152328.5(ADSS1):c.193-5037G>T

Gene: ADSS1 (adenylosuccinate synthase 1; plus strand). Cytogenetic location: 14q32.33.
Variant type: single nucleotide variant.
Coding change: c.193-5037G>T on transcript NM_152328.5 (MANE Select); 5037 bases into the intron before coding-DNA position 193, G replaced by T.
Molecular consequence: intron variant. On other transcripts: 5 prime UTR variant (1), missense variant (1).
Genome position (GRCh38, 1-based): chr14:104,729,983, G>T. VCF-style: chr14-104729983-G-T. GRCh37 (hg19) VCF-style: chr14-105196320-G-T.
Other names: c.91G>T (NM_199165.1); c.-637G>T (NM_001320424.1); c.91G>T, p.Ala31Ser (NM_199165.2); short protein forms A31S.
Identifiers: ClinVar variation 1988439 (VCV001988439.5), dbSNP rs146609245, ClinGen allele CA7373507.
Genomic context (GRCh38, chr14:104,729,983, plus strand): 5'-CAGAGGCAAGGAGGTGGGCAGAGGCCCACGAACCTGGCCCTGACCCTCAGCTCGTCCCCA[G>T]CTCACAGCACAGCCCTCCCCTGGCTGCCTCCAAGGAGTCTCCAGTTACTGAGTGGCCACT-3'